The following is an entry in ClinVar:

ClinVar aggregate classification (germline): Uncertain significance. Review status: reviewed by expert panel (3 of 4 stars). 3 submissions from 3 submitters: Uncertain significance (1). 2 of the submissions do not count toward it. Last evaluated 2024-04-01.

Conditions:
Athabaskan severe combined immunodeficiency (SCIDA). Also called: Severe combined immunodeficiency, athabascan-type. Identifiers: MedGen C1865370.
Severe combined immunodeficiency due to DCLRE1C deficiency (RS-SCID). Also called: SCID, AUTOSOMAL RECESSIVE, T CELL-NEGATIVE, B CELL-NEGATIVE, NK CELL-POSITIVE, WITH SENSITIVITY TO IONIZING RADIATION. Identifiers: Orphanet 275, MedGen C1865371, MONDO:0011225, OMIM 602450.

Allele frequency attached by ClinVar (database versions not stated): TOPMed below 0.00001.
gnomAD v4.1: 1 of 1,614,038 alleles (0.000062%); no homozygotes.

Submissions (3):

ClinGen Severe Combined Immunodeficiency Variant Curation Expert Panel, ClinGen
Classification: Uncertain significance for Severe combined immunodeficiency due to DCLRE1C deficiency. Last evaluated: 2024-04-01. Review status: reviewed by expert panel. Criteria: ClinGen SCID ACMG Specifications DCLRE1C V1.0.0. Collection method: curation. Allele origin: germline. Inheritance: Autosomal recessive inheritance.
Comment: The c.25G>A (NM_001033855.3) variant in DCLRE1C is a missense variant predicted to cause the substitution of Alanine by Threonine at amino acid 9 (p.Ala9Thr). The highest population minor allele frequency in gnomAD v4 is 0.00003022 (1/33086 alleles) in the "Remaining" population, which is lower than the ClinGen SCID VCEP threshold (<0.00003266) for PM2_Supporting. Despite the "Remaining" being considered a bottleneck population in gnomad v4, as no other alleles have been described in all other populations, PM2_Supporting still can be applied (PM2_Supporting). Allele frequency considering all exomes is 0.000001591, 1/628590 alleles. To our knowledge, this variant has not been reported in the literature in individuals affected with DCLRE1c-related conditions or in functional studies. In summary, this variant is classified as a variant of uncertain significance for autosomal recessive severe combined immunodeficiency due to DCLRE1C deficiency, based on ACMG/AMP criteria applied, as specified by the ClinGen SCID VCEP (specification version 1.0): PM2_Supporting.

Labcorp Genetics (formerly Invitae), Labcorp
Classification: Uncertain significance for Athabaskan severe combined immunodeficiency. Last evaluated: 2022-07-26. Review status: criteria provided, single submitter. Criteria: Invitae Variant Classification Sherloc (09022015). Collection method: clinical testing. Allele origin: germline. Not counted in ClinVar's aggregate classification.
Comment: ClinVar contains an entry for this variant (Variation ID: 958156). This variant has not been reported in the literature in individuals affected with DCLRE1C-related conditions. This variant is not present in population databases (gnomAD no frequency). This sequence change replaces alanine, which is neutral and non-polar, with threonine, which is neutral and polar, at codon 9 of the DCLRE1C protein (p.Ala9Thr). Algorithms developed to predict the effect of missense changes on protein structure and function output the following: SIFT: "Tolerated"; PolyPhen-2: "Benign"; Align-GVGD: "Class C0". The threonine amino acid residue is found in multiple mammalian species, which suggests that this missense change does not adversely affect protein function. In summary, the available evidence is currently insufficient to determine the role of this variant in disease. Therefore, it has been classified as a Variant of Uncertain Significance.

Natera, Inc.
Classification: Uncertain significance for Athabascan severe combined immunodeficiency. Last evaluated: 2020-06-29. Review status: no assertion criteria provided. Collection method: clinical testing. Allele origin: germline. Not counted in ClinVar's aggregate classification.

NM_001033855.3(DCLRE1C):c.25G>A (p.Ala9Thr)

Gene: DCLRE1C (DNA cross-link repair 1C; minus strand). Cytogenetic location: 10p13.
Variant type: single nucleotide variant.
Coding change: c.25G>A on transcript NM_001033855.3 (MANE Select); coding-DNA position 25, G replaced by A.
Protein change: p.Ala9Thr; replaces alanine 9 with threonine.
Molecular consequence: missense variant. On other transcripts: 5 prime UTR variant (9), non-coding transcript variant (4).
Genome position (GRCh38, 1-based): chr10:14,953,986, C>T on the plus strand (G>A on the coding strand, the complement: DCLRE1C is on the minus strand). VCF-style: chr10-14953986-C-T. GRCh37 (hg19) VCF-style: chr10-14995985-C-T.
Other names: NM_001033855.3(DCLRE1C):c.25G>A; p.Ala9Thr; c.-421G>A (NM_001033857.3, NM_001350967.2); c.-743G>A (NM_001033858.3); c.-180G>A (NM_001289076.2); c.-467G>A (NM_001289077.2); c.-213G>A (NM_001289078.2, NM_001350966.2); c.-789G>A (NM_001289079.2); and 2 more; short protein forms A9T.
Identifiers: ClinVar variation 958156 (VCV000958156.9), dbSNP rs1842835241, ClinGen allele CA376066110.
Genomic context (GRCh38, chr10:14,953,986, plus strand): 5'-AGGCGCGGGCCCTCAGGTTCTCCCTATCGAAGCGGTCTATGGAGATAGTTGGATACTCGG[C>T]CATCTGCCCCTCGAAAGAACTCATAGCGCCGCCGATCCCAGAGTCCGGGACCCCAAAACC-3'
Protein context (NP_001029027.1, residues 1-19): MSSFEGQM[Ala9Thr]EYPTISIDRF